The following is an entry in ClinVar:

NM_006623.4(PHGDH):c.202G>A (p.Glu68Lys)

Gene: PHGDH (phosphoglycerate dehydrogenase; plus strand). Cytogenetic location: 1p12.
Variant type: single nucleotide variant.
Coding change: c.202G>A on transcript NM_006623.4 (MANE Select); coding-DNA position 202, G replaced by A.
Protein change: p.Glu68Lys; replaces glutamic acid 68 with lysine.
Molecular consequence: missense variant.
Genome position (GRCh38, 1-based): chr1:119,721,233, G>A. VCF-style: chr1-119721233-G-A. GRCh37 (hg19) VCF-style: chr1-120263856-G-A.
Other names: short protein forms E68K.
Identifiers: ClinVar variation 1371969 (VCV001371969.8), dbSNP rs774538219, ClinGen allele CA1036967.

ClinVar aggregate classification (germline): Uncertain significance (1 of 4 stars; one submission).

Conditions:
PHGDH deficiency. Identifiers: Orphanet 79351, MedGen C1866174, MONDO:0011152, OMIM 601815.

Allele frequency attached by ClinVar (database versions not stated): gnomAD exomes below 0.00001; ExAC 0.00001; gnomAD 0.00001; TOPMed 0.00001.
gnomAD v4.1: 3 of 1,614,060 alleles (0.00019%); highest among the groups gnomAD compares: African/African-American, 0.004%; no homozygotes.

Submission:

Labcorp Genetics (formerly Invitae), Labcorp
Classification: Uncertain significance for PHGDH deficiency. Last evaluated: 2022-08-09. Review status: criteria provided, single submitter. Criteria: Invitae Variant Classification Sherloc (09022015). Collection method: clinical testing. Allele origin: germline.
Comment: This sequence change replaces glutamic acid, which is acidic and polar, with lysine, which is basic and polar, at codon 68 of the PHGDH protein (p.Glu68Lys). This variant is present in population databases (rs774538219, gnomAD 0.008%). This variant has not been reported in the literature in individuals affected with PHGDH-related conditions. ClinVar contains an entry for this variant (Variation ID: 1371969). Algorithms developed to predict the effect of missense changes on protein structure and function output the following: SIFT: "Tolerated"; PolyPhen-2: "Benign"; Align-GVGD: "Class C0". The lysine amino acid residue is found in multiple mammalian species, which suggests that this missense change does not adversely affect protein function. In summary, the available evidence is currently insufficient to determine the role of this variant in disease. Therefore, it has been classified as a Variant of Uncertain Significance.